The following is an entry in ClinVar:

NM_000237.3(LPL):c.374C>T (p.Ala125Val)

Gene: LPL (lipoprotein lipase; plus strand). Cytogenetic location: 8p21.3.
Variant type: single nucleotide variant.
Coding change: c.374C>T on transcript NM_000237.3 (MANE Select); coding-DNA position 374, C replaced by T.
Protein change: p.Ala125Val; replaces alanine 125 with valine.
Molecular consequence: missense variant.
Genome position (GRCh38, 1-based): chr8:19,951,893, C>T. VCF-style: chr8-19951893-C-T. GRCh37 (hg19) VCF-style: chr8-19809404-C-T.
Other names: short protein forms A125V.
Identifiers: ClinVar variation 2280936 (VCV002280936.3), dbSNP rs754692513, ClinGen allele CA4655394.

ClinVar aggregate classification (germline): Uncertain significance (1 of 4 stars; one submission).

Conditions:
Cardiovascular phenotype. Identifiers: MedGen CN230736.

Allele frequency attached by ClinVar (database versions not stated): ExAC 0.00001; gnomAD 0.00001; TOPMed 0.00001.
gnomAD v4.1: 12 of 1,613,968 alleles (0.00074%); highest among the groups gnomAD compares: South Asian, 0.0033%; no homozygotes.

Submission:

Ambry Genetics
Classification: Uncertain significance for Cardiovascular phenotype. Last evaluated: 2024-06-17. Review status: criteria provided, single submitter. Criteria: Ambry Variant Classification Scheme 2023. Collection method: clinical testing. Allele origin: germline.
Comment: The p.A125V variant (also known as c.374C>T), located in coding exon 3 of the LPL gene, results from a C to T substitution at nucleotide position 374. The alanine at codon 125 is replaced by valine, an amino acid with similar properties. This amino acid position is conserved. In addition, the in silico prediction for this alteration is inconclusive. Based on the available evidence, the clinical significance of this variant remains unclear.